The following is an entry in ClinVar:

NM_003742.4(ABCB11):c.2011+4A>G

Gene: ABCB11 (ATP binding cassette subfamily B member 11; minus strand). Cytogenetic location: 2q31.1.
Variant type: single nucleotide variant.
Coding change: c.2011+4A>G on transcript NM_003742.4 (MANE Select); 4 bases into the intron after coding-DNA position 2011, A replaced by G.
Molecular consequence: intron variant.
Genome position (GRCh38, 1-based): chr2:168,969,346, T>C on the plus strand (A>G on the coding strand, the complement: ABCB11 is on the minus strand). VCF-style: chr2-168969346-T-C. GRCh37 (hg19) VCF-style: chr2-169825856-T-C.
Identifiers: ClinVar variation 4846696 (VCV004846696.1).

ClinVar aggregate classification (germline): Uncertain significance (1 of 4 stars; one submission).

Conditions:
Familial intrahepatic cholestasis. Identifiers: Orphanet 284385, MedGen CN296401, MONDO:0017290.

gnomAD v4.1: 3 of 1,610,236 alleles (0.00019%); highest among the groups gnomAD compares: Non-Finnish European, 0.00025%; no homozygotes.

Submission:

Genomenon, Inc
Classification: Uncertain significance for Familial intrahepatic cholestasis. Last evaluated: 2026-04-14. Review status: criteria provided, single submitter. Criteria: Genomenon Sequence Variant Interpretation Standards - Updated. Collection method: curation. Allele origin: germline. Affected: yes.
Comment: ABCB11 c.2011+4A>G is an intronic variant located in the donor splice region of intron 16. This variant has been observed in at least one proband with an ABCB11-related disorder (PMID:32087350). It is absent or not present at a significant frequency in gnomAD. In silico models predict that this variant is possibly or probably damaging. In conclusion, we classify ABCB11 c.2011+4A>G as a variant of uncertain significance.

Literature cited by the submitters: PubMed 32087350.